The following is an entry in ClinVar:

ClinVar aggregate classification (germline): Uncertain significance (1 of 4 stars; one submission).

gnomAD v4.1: 2 of 1,614,236 alleles (0.00012%); highest among the groups gnomAD compares: Non-Finnish European, 0.00017%; no homozygotes.

Submission:

GeneDx
Classification: Uncertain significance. Last evaluated: 2023-06-01. Review status: criteria provided, single submitter. Criteria: GeneDx Variant Classification Process June 2021. Collection method: clinical testing. Allele origin: germline. Affected: yes.
Comment: Not observed at significant frequency in large population cohorts (gnomAD); In silico analysis supports that this missense variant has a deleterious effect on protein structure/function; Has not been previously published as pathogenic or benign to our knowledge

NM_015215.4(CAMTA1):c.3454A>G (p.Arg1152Gly)

Gene: CAMTA1 (calmodulin binding transcription activator 1; plus strand). Cytogenetic location: 1p36.23.
Variant type: single nucleotide variant.
Coding change: c.3454A>G on transcript NM_015215.4 (MANE Select); coding-DNA position 3454, A replaced by G.
Protein change: p.Arg1152Gly; replaces arginine 1152 with glycine.
Molecular consequence: missense variant.
Genome position (GRCh38, 1-based): chr1:7,737,366, A>G. VCF-style: chr1-7737366-A-G. GRCh37 (hg19) VCF-style: chr1-7797426-A-G.
Other names: c.3364A>G, p.Arg1122Gly (NM_001349608.2, NM_001349612.2); c.3454A>G, p.Arg1152Gly (NM_001349609.2, NM_001349610.2, NM_001410737.1); c.583A>G, p.Arg195Gly (NM_001349613.1); c.526A>G, p.Arg176Gly (NM_001349614.1, NM_001349615.2, NM_001349616.2 and 10 more transcripts); c.3382A>G, p.Arg1128Gly (NM_001410738.1); short protein forms R1122G, R1128G, R1152G, R176G, R195G.
Identifiers: ClinVar variation 3362231 (VCV003362231.1).